The following is an entry in ClinVar:

ClinVar aggregate classification (germline): Uncertain significance (1 of 4 stars; one submission).

Conditions:
Multiple acyl-CoA dehydrogenase deficiency (MADD). Also called: ETHYLMALONIC-ADIPICACIDURIA; GA II; Glutaric aciduria, type 2; Glutaric acidemia type II; GA 2; Glutaric Acidemia type 2. Identifiers: Orphanet 26791, MedGen C0268596, MONDO:0009282, OMIM 231680.

Submission:

Labcorp Genetics (formerly Invitae), Labcorp
Classification: Uncertain significance for Multiple acyl-CoA dehydrogenase deficiency. Last evaluated: 2022-02-08. Review status: criteria provided, single submitter. Criteria: Invitae Variant Classification Sherloc (09022015). Collection method: clinical testing. Allele origin: germline.
Comment: This sequence change replaces leucine, which is neutral and non-polar, with valine, which is neutral and non-polar, at codon 539 of the ETFDH protein (p.Leu539Val). This variant is not present in population databases (gnomAD no frequency). This variant has not been reported in the literature in individuals affected with ETFDH-related conditions. Advanced modeling of protein sequence and biophysical properties (such as structural, functional, and spatial information, amino acid conservation, physicochemical variation, residue mobility, and thermodynamic stability) performed at Invitae indicates that this missense variant is expected to disrupt ETFDH protein function. Algorithms developed to predict the effect of sequence changes on RNA splicing suggest that this variant may create or strengthen a splice site. In summary, the available evidence is currently insufficient to determine the role of this variant in disease. Therefore, it has been classified as a Variant of Uncertain Significance.

NM_004453.4(ETFDH):c.1615T>G (p.Leu539Val)

Gene: ETFDH (electron transfer flavoprotein dehydrogenase; plus strand). Cytogenetic location: 4q32.1.
Variant type: single nucleotide variant.
Coding change: c.1615T>G on transcript NM_004453.4 (MANE Select); coding-DNA position 1615, T replaced by G.
Protein change: p.Leu539Val; replaces leucine 539 with valine.
Molecular consequence: missense variant.
Genome position (GRCh38, 1-based): chr4:158,706,775, T>G. VCF-style: chr4-158706775-T-G. GRCh37 (hg19) VCF-style: chr4-159627927-T-G.
Other names: c.1474T>G, p.Leu492Val (NM_001281737.2); c.1432T>G, p.Leu478Val (NM_001281738.1); short protein forms L478V, L492V, L539V.
Identifiers: ClinVar variation 1986368 (VCV001986368.1), dbSNP rs755747152, ClinGen allele CA358564984.